The following is an entry in ClinVar:

NM_000334.4(SCN4A):c.3394C>T (p.Arg1132Trp)

Genes: GH-LCR (growth hormone locus control region; plus strand), SCN4A (sodium voltage-gated channel alpha subunit 4; minus strand). Cytogenetic location: 17q23.3.
Variant type: single nucleotide variant.
Coding change: c.3394C>T on transcript NM_000334.4 (MANE Select); coding-DNA position 3394, C replaced by T.
Protein change: p.Arg1132Trp; replaces arginine 1132 with tryptophan.
Molecular consequence: missense variant.
Genome position (GRCh38, 1-based): chr17:63,947,092, G>A on the plus strand (C>T on the coding strand, the complement: SCN4A is on the minus strand). VCF-style: chr17-63947092-G-A. GRCh37 (hg19) VCF-style: chr17-62024452-G-A.
Other names: short protein forms R1132W.
Identifiers: ClinVar variation 957575 (VCV000957575.10), dbSNP rs778176181, ClinGen allele CA8709291.

ClinVar aggregate classification (germline): Conflicting classifications of pathogenicity. Review status: criteria provided, conflicting classifications (1 of 4 stars). 2 submissions from 2 submitters: Likely pathogenic (1); Uncertain significance (1). Last evaluated 2024-09-17.

Conditions:
Hyperkalemic periodic paralysis. Also called: Familial hyperkalemic periodic paralysis; Gamstorp disease. Identifiers: Orphanet 682, MedGen C0238357, MONDO:0008224, OMIM 170500, HP:0007215.

Allele frequency attached by ClinVar (database versions not stated): gnomAD exomes 0.00001 and 0.00002; ExAC 0.00002.
gnomAD v4.1: 19 of 1,409,154 alleles (0.0013%); highest among the groups gnomAD compares: South Asian, 0.0056%; no homozygotes.

Submissions (2):

Labcorp Genetics (formerly Invitae), Labcorp
Classification: Likely pathogenic for Hyperkalemic periodic paralysis. Last evaluated: 2024-09-17. Review status: criteria provided, single submitter. Criteria: Invitae Variant Classification Sherloc (09022015). Collection method: clinical testing. Allele origin: germline.
Comment: This sequence change replaces arginine, which is basic and polar, with tryptophan, which is neutral and slightly polar, at codon 1132 of the SCN4A protein (p.Arg1132Trp). This variant is present in population databases (rs778176181, gnomAD 0.006%). This variant has not been observed in the literature in individuals with autosomal dominant SCN4A-related conditions. This variant has been reported in individual(s) with autosomal recessive congenital myopathy (internal data); however, the role of the variant in this condition is currently unclear. ClinVar contains an entry for this variant (Variation ID: 957575). Invitae Evidence Modeling of protein sequence and biophysical properties (such as structural, functional, and spatial information, amino acid conservation, physicochemical variation, residue mobility, and thermodynamic stability) indicates that this missense variant is expected to disrupt SCN4A protein function with a positive predictive value of 95%. This variant disrupts the p.Arg1132 amino acid residue in SCN4A. Other variant(s) that disrupt this residue have been determined to be pathogenic (PMID: 16890191, 19118277, 19882638, 21490317). This suggests that this residue is clinically significant, and that variants that disrupt this residue are likely to be disease-causing. In summary, the currently available evidence indicates that the variant is pathogenic, but additional data are needed to prove that conclusively. Therefore, this variant has been classified as Likely Pathogenic.

Revvity Omics, Revvity
Classification: Uncertain significance. Last evaluated: 2020-06-23. Review status: criteria provided, single submitter. Criteria: ACMG Guidelines, 2015. Collection method: clinical testing. Allele origin: germline.

Literature cited by the submitters: PubMed 16890191 (cited by Labcorp Genetics (formerly Invitae), Labcorp); PubMed 19118277 (cited by Labcorp Genetics (formerly Invitae), Labcorp); PubMed 19882638 (cited by Labcorp Genetics (formerly Invitae), Labcorp); PubMed 21490317 (cited by Labcorp Genetics (formerly Invitae), Labcorp).